The following is an entry in ClinVar:

ClinVar aggregate classification (germline): Conflicting classifications of pathogenicity. Review status: criteria provided, conflicting classifications (1 of 4 stars). 5 submissions from 4 submitters: Uncertain significance (2); Likely benign (3). Last evaluated 2024-02-01.

Conditions:
Cutis laxa, autosomal dominant 1 (ADCL1). Also called: ELN-Related Cutis Laxa. Identifiers: Orphanet 90348, MedGen C3276539, MONDO:0007411, OMIM 123700. Disease mechanism: Dominant Negative.
Supravalvar aortic stenosis (SVAS). Also called: Supravalvar aortic stenosis, Eisenberg type. Identifiers: Orphanet 3193, MedGen C0003499, MONDO:0008504, OMIM 185500, HP:0004381.

Allele frequency attached by ClinVar (database versions not stated): gnomAD exomes 0.00003; gnomAD 0.00004 and 0.00006; TOPMed 0.00006; ExAC 0.00007; 1000 Genomes Project 30x 0.00062; 1000 Genomes Project 0.00080.
gnomAD v4.1: 62 of 1,614,204 alleles (0.0038%); highest among the groups gnomAD compares: East Asian, 0.069%; no homozygotes.

Submissions (5):

CeGaT Center for Human Genetics Tuebingen
Classification: Likely benign. Last evaluated: 2024-02-01. Review status: criteria provided, single submitter. Criteria: CeGaT Center For Human Genetics Tuebingen Variant Classification Criteria Version 2. Collection method: clinical testing. Allele origin: germline. Affected: yes. Observed: 1 variant allele.
Comment: ELN: BP4

Blueprint Genetics
Classification: Likely benign. Last evaluated: 2023-09-12. Review status: criteria provided, single submitter. Criteria: ACMG Guidelines, 2015. Collection method: clinical testing. Allele origin: germline.

Labcorp Genetics (formerly Invitae), Labcorp
Classification: Uncertain significance for Supravalvar aortic stenosis. Last evaluated: 2023-06-20. Review status: criteria provided, single submitter. Criteria: Invitae Variant Classification Sherloc (09022015). Collection method: clinical testing. Allele origin: germline.
Comment: This variant is present in population databases (rs199709542, gnomAD 0.02%). This sequence change replaces valine, which is neutral and non-polar, with methionine, which is neutral and non-polar, at codon 285 of the ELN protein (p.Val285Met). This variant has not been reported in the literature in individuals affected with ELN-related conditions. ClinVar contains an entry for this variant (Variation ID: 912215). Advanced modeling of protein sequence and biophysical properties (such as structural, functional, and spatial information, amino acid conservation, physicochemical variation, residue mobility, and thermodynamic stability) performed at Invitae indicates that this missense variant is not expected to disrupt ELN protein function. In summary, the available evidence is currently insufficient to determine the role of this variant in disease. Therefore, it has been classified as a Variant of Uncertain Significance.

Illumina Laboratory Services, Illumina
Classification: Likely benign for Cutis laxa, autosomal dominant 1. Last evaluated: 2018-01-13. Review status: criteria provided, single submitter. Criteria: ICSL Variant Classification Criteria 13 December 2019. Collection method: clinical testing. Allele origin: germline.
Comment: This variant was observed in the ICSL laboratory as part of a predisposition screen in an ostensibly healthy population. It had not been previously curated by ICSL or reported in the Human Gene Mutation Database (HGMD: prior to June 1st, 2018), and was therefore a candidate for classification through an automated scoring system. Utilizing variant allele frequency, disease prevalence and penetrance estimates, and inheritance mode, an automated score was calculated to assess if this variant is too frequent to cause the disease. Based on the score and internal cut-off values, a variant classified as likely benign is not then subjected to further curation. The score for this variant resulted in a classification of likely benign for this disease.

Illumina Laboratory Services, Illumina
Classification: Uncertain significance for Supravalvar aortic stenosis. Last evaluated: 2018-01-13. Review status: criteria provided, single submitter. Criteria: ICSL Variant Classification Criteria 13 December 2019. Collection method: clinical testing. Allele origin: germline.

NM_000501.4(ELN):c.853G>A (p.Val285Met)

Gene: ELN (elastin; plus strand). Cytogenetic location: 7q11.23.
Variant type: single nucleotide variant.
Coding change: c.853G>A on transcript NM_000501.4 (MANE Select); coding-DNA position 853, G replaced by A.
Protein change: p.Val285Met; replaces valine 285 with methionine.
Molecular consequence: missense variant.
Genome position (GRCh38, 1-based): chr7:74,051,803, G>A. VCF-style: chr7-74051803-G-A. GRCh37 (hg19) VCF-style: chr7-73466133-G-A.
Other names: c.823G>A, p.Val275Met (NM_001081752.3, NM_001278917.2); c.868G>A, p.Val290Met (NM_001081753.3, NM_001081754.3); c.853G>A, p.Val285Met (NM_001081755.3, NM_001278912.2, NM_001278915.2 and 1 more transcripts); c.745G>A, p.Val249Met (NM_001278913.2); c.838G>A, p.Val280Met (NM_001278914.2); c.811G>A, p.Val271Met (NM_001278916.2); c.721G>A, p.Val241Met (NM_001278918.2); short protein forms V285M, V280M, V249M, V290M, V241M, V271M, V275M.
Identifiers: ClinVar variation 912215 (VCV000912215.35), dbSNP rs199709542, ClinGen allele CA4292721.